The following is an entry in ClinVar:

NM_001144967.3(NEDD4L):c.1145A>C (p.His382Pro)

Gene: NEDD4L (NEDD4 like E3 ubiquitin protein ligase; plus strand). Cytogenetic location: 18q21.31.
Variant type: single nucleotide variant.
Coding change: c.1145A>C on transcript NM_001144967.3 (MANE Select); coding-DNA position 1145, A replaced by C.
Protein change: p.His382Pro; replaces histidine 382 with proline.
Molecular consequence: missense variant. On other transcripts: intron variant (1).
Genome position (GRCh38, 1-based): chr18:58,341,057, A>C. VCF-style: chr18-58341057-A-C. GRCh37 (hg19) VCF-style: chr18-56008289-A-C.
Other names: c.1066-621A>C (NM_001243960.2); c.782A>C, p.His261Pro (NM_001144964.1, NM_001144965.2, NM_001144966.3); c.1121A>C, p.His374Pro (NM_001144968.2); c.1061A>C, p.His354Pro (NM_001144969.2); c.722A>C, p.His241Pro (NM_001144970.3, NM_001144971.2); c.1982A>C, p.His661Pro (NM_001437337.1); c.1085A>C, p.His362Pro (NM_015277.6); short protein forms H241P, H261P, H354P, H362P, H374P, H382P, H661P.
Identifiers: ClinVar variation 4755888 (VCV004755888.1).

ClinVar aggregate classification (germline): Uncertain significance (1 of 4 stars; one submission).

gnomAD v4.1: 1 of 1,610,512 alleles (0.000062%); highest among the groups gnomAD compares: Non-Finnish European, 0.000085%; no homozygotes.

Submission:

GeneDx
Classification: Uncertain significance. Last evaluated: 2025-08-07. Review status: criteria provided, single submitter. Criteria: GeneDx Variant Classification Process June 2021. Collection method: clinical testing. Allele origin: germline. Affected: yes.
Comment: Not observed at significant frequency in large population cohorts (gnomAD); In silico analysis suggests that this missense variant does not alter protein structure/function; Has not been previously published as pathogenic or benign to our knowledge